The following is an entry in ClinVar:

NM_001199138.2(NLRC4):c.268T>C (p.Phe90Leu)

Gene: NLRC4 (NLR family CARD domain containing 4; minus strand). Cytogenetic location: 2p22.3.
Variant type: single nucleotide variant.
Coding change: c.268T>C on transcript NM_001199138.2 (MANE Select); coding-DNA position 268, T replaced by C.
Protein change: p.Phe90Leu; replaces phenylalanine 90 with leucine.
Molecular consequence: missense variant. On other transcripts: intron variant (1).
Genome position (GRCh38, 1-based): chr2:32,251,596, A>G on the plus strand (T>C on the coding strand, the complement: NLRC4 is on the minus strand). VCF-style: chr2-32251596-A-G. GRCh37 (hg19) VCF-style: chr2-32476665-A-G.
Other names: c.268T>C, p.Phe90Leu (NM_001199139.2, NM_021209.5); c.262+823T>C (NM_001302504.1); short protein forms F90L.
Identifiers: ClinVar variation 4791246 (VCV004791246.1).

ClinVar aggregate classification (germline): Uncertain significance (1 of 4 stars; one submission).

Conditions:
Periodic fever-infantile enterocolitis-autoinflammatory syndrome. Also called: Autoinflammation with infantile enterocolitis. Identifiers: Orphanet 436166, MedGen C4015067, MONDO:0014472, OMIM 616050.
Familial cold autoinflammatory syndrome 4 (FCAS4). Identifiers: Orphanet 47045, Orphanet 576349, MedGen C4015276, MONDO:0014498, OMIM 616115.

Submission:

Labcorp Genetics (formerly Invitae), Labcorp
Classification: Uncertain significance for Periodic fever-infantile enterocolitis-autoinflammatory syndrome; Familial cold autoinflammatory syndrome 4. Last evaluated: 2025-06-27. Review status: criteria provided, single submitter. Criteria: Invitae Variant Classification Sherloc (09022015). Collection method: clinical testing. Allele origin: germline.
Comment: This sequence change replaces phenylalanine, which is neutral and non-polar, with leucine, which is neutral and non-polar, at codon 90 of the NLRC4 protein (p.Phe90Leu). This variant is not present in population databases (gnomAD no frequency). This variant has not been reported in the literature in individuals affected with NLRC4-related conditions. Invitae Evidence Modeling of protein sequence and biophysical properties (such as structural, functional, and spatial information, amino acid conservation, physicochemical variation, residue mobility, and thermodynamic stability) indicates that this missense variant is not expected to disrupt NLRC4 protein function with a negative predictive value of 80%. In summary, the available evidence is currently insufficient to determine the role of this variant in disease. Therefore, it has been classified as a Variant of Uncertain Significance.